The following is an entry in ClinVar:

NM_002440.4(MSH4):c.1433G>A (p.Gly478Glu)

Gene: MSH4 (mutS homolog 4; plus strand). Cytogenetic location: 1p31.1.
Variant type: single nucleotide variant.
Coding change: c.1433G>A on transcript NM_002440.4 (MANE Select); coding-DNA position 1433, G replaced by A.
Protein change: p.Gly478Glu; replaces glycine 478 with glutamic acid.
Molecular consequence: missense variant.
Genome position (GRCh38, 1-based): chr1:75,878,211, G>A. VCF-style: chr1-75878211-G-A. GRCh37 (hg19) VCF-style: chr1-76343896-G-A.
Other names: short protein forms G478E.
Identifiers: ClinVar variation 3026173 (VCV003026173.22), dbSNP rs770679911, ClinGen allele CA914254.

ClinVar aggregate classification (germline): Uncertain significance (1 of 4 stars; one submission).

Allele frequency attached by ClinVar (database versions not stated): gnomAD exomes below 0.00001; ExAC 0.00001.
gnomAD v4.1: 2 of 1,609,816 alleles (0.00012%); highest among the groups gnomAD compares: Non-Finnish European, 0.00017%; no homozygotes.

Submission:

CeGaT Center for Human Genetics Tuebingen
Classification: Uncertain significance. Last evaluated: 2024-01-01. Review status: criteria provided, single submitter. Criteria: CeGaT Center For Human Genetics Tuebingen Variant Classification Criteria Version 2. Collection method: clinical testing. Allele origin: germline. Affected: yes. Observed: 1 variant allele.
Comment: MSH4: PM2, PP3